The following is an entry in ClinVar:

ClinVar aggregate classification (germline): Likely benign (0 of 4 stars; one submission).

Conditions:
RGS9BP-related disorder. Also called: RGS9BP-related condition.

Allele frequency attached by ClinVar (database versions not stated): gnomAD exomes below 0.00001; ExAC 0.00001.

Submission:

PreventionGenetics, part of Exact Sciences
Classification: Likely benign for RGS9BP-related condition. Last evaluated: 2021-07-27. Review status: no assertion criteria provided. Collection method: clinical testing. Allele origin: germline.
Comment: This variant is classified as likely benign based on ACMG/AMP sequence variant interpretation guidelines (Richards et al. 2015 PMID: 25741868, with internal and published modifications).

NM_207391.3(RGS9BP):c.48G>A (p.Thr16=)

Gene: RGS9BP (regulator of G protein signaling 9 binding protein; plus strand). Cytogenetic location: 19q13.11.
Variant type: single nucleotide variant.
Coding change: c.48G>A on transcript NM_207391.3 (MANE Select); coding-DNA position 48, G replaced by A.
Protein change: p.Thr16=; no amino-acid change (threonine 16 retained).
Molecular consequence: synonymous variant.
Genome position (GRCh38, 1-based): chr19:32,676,311, G>A. VCF-style: chr19-32676311-G-A. GRCh37 (hg19) VCF-style: chr19-33167217-G-A.
Identifiers: ClinVar variation 3029348 (VCV003029348.2), dbSNP rs753151649, ClinGen allele CA9357490.
Genomic context (GRCh38, chr19:32,676,311, plus strand): 5'-GGAGCCCACCGCGATGGCGAGGGAGGAGTGCAAGGCGCTGCTGGACGGGCTCAACAAGAC[G>A]ACTGCGTGCTACCACCACCTGGTGCTGACCGTCGGTGGCTCGGCGGACTCGCAGAACCTG-3'
Protein context (NP_997274.2, residues 6-26): CKALLDGLNK[Thr16=]TACYHHLVLT